The following is an entry in ClinVar:

ClinVar aggregate classification (germline): Likely benign. Review status: criteria provided, multiple submitters, no conflicts (2 of 4 stars). 2 submissions from 2 submitters: Likely benign (2). Last evaluated 2017-04-27.

Conditions:
Cayman type cerebellar ataxia. Also called: Cayman ataxia. Identifiers: Orphanet 94122, MedGen C1832585, MONDO:0011025, OMIM 601238.

Allele frequency attached by ClinVar (database versions not stated): gnomAD exomes 0.00168 and 0.00476; ExAC 0.01333; gnomAD 0.01900 and 0.02031; ESP Exome Variant Server 0.01939; 1000 Genomes Project 0.02057; TOPMed 0.02181; 1000 Genomes Project 30x 0.02295.
gnomAD v4.1: 5,420 of 1,584,606 alleles (0.34%); highest among the groups gnomAD compares: African/African-American, 6.4%; 153 homozygotes.

Submissions (2):

Illumina Laboratory Services, Illumina
Classification: Likely benign for Cayman type cerebellar ataxia. Last evaluated: 2017-04-27. Review status: criteria provided, single submitter. Criteria: ICSL Variant Classification Criteria 13 December 2019. Collection method: clinical testing. Allele origin: germline.
Comment: This variant was observed as part of a predisposition screen in an ostensibly healthy population. A literature search was performed for the gene, cDNA change, and amino acid change (where applicable). No publications were found based on this search. Allele frequency data from public databases allowed determination this variant is unlikely to cause disease. Therefore, this variant is classified as likely benign.

Breakthrough Genomics
Classification: Likely benign. Review status: criteria provided, single submitter. Criteria: ACMG Guidelines, 2015. Collection method: not provided. Allele origin: germline. Inheritance: Autosomal recessive inheritance. Affected: yes.

NM_033064.5(ATCAY):c.137-11T>C

Gene: ATCAY (ATCAY kinesin light chain interacting caytaxin; plus strand). Cytogenetic location: 19p13.3.
Variant type: single nucleotide variant.
Coding change: c.137-11T>C on transcript NM_033064.5 (MANE Select); 11 bases into the intron before coding-DNA position 137, T replaced by C.
Molecular consequence: intron variant.
Genome position (GRCh38, 1-based): chr19:3,905,423, T>C. VCF-style: chr19-3905423-T-C. GRCh37 (hg19) VCF-style: chr19-3905421-T-C.
Identifiers: ClinVar variation 329117 (VCV000329117.6), dbSNP rs73919387, ClinGen allele CA9087051.
Genomic context (GRCh38, chr19:3,905,423, plus strand): 5'-AGGTAGGAAAATGGGGGGAAGGTAAAAGAGAGAAAGCAAAGATGTTTTCCATTTTTCTCA[T>C]TTCCCTGCAGCTCCTCCCAACACGCTAAATTTCAACGGAGCGCATCGTAAGAGGAAGACG-3'